The following is an entry in ClinVar:

ClinVar aggregate classification (germline): Benign/Likely benign. Review status: criteria provided, multiple submitters, no conflicts (2 of 4 stars). 4 submissions from 4 submitters: Benign (3); Likely benign (1). Last evaluated 2024-11-22.

Allele frequency attached by ClinVar (database versions not stated): gnomAD exomes 0.00073 and 0.00135; gnomAD 0.00322 and 0.00338; ExAC 0.00362; TOPMed 0.00449; 1000 Genomes Project 0.00499; 1000 Genomes Project 30x 0.00515.
gnomAD v4.1: 858 of 795,250 alleles (0.11%); highest among the groups gnomAD compares: African/African-American, 1.3%; 8 homozygotes.

Submissions (4):

Blueprint Genetics
Classification: Likely benign. Last evaluated: 2024-11-22. Review status: criteria provided, single submitter. Criteria: ACMG Guidelines, 2015. Collection method: clinical testing. Allele origin: germline.

CeGaT Center for Human Genetics Tuebingen
Classification: Benign. Last evaluated: 2023-09-01. Review status: criteria provided, single submitter. Criteria: CeGaT Center For Human Genetics Tuebingen Variant Classification Criteria Version 2. Collection method: clinical testing. Allele origin: germline. Affected: yes. Observed: 1 variant allele.
Comment: NEB: BP4, BS1, BS2

GeneDx
Classification: Benign. Last evaluated: 2017-11-22. Review status: criteria provided, single submitter. Criteria: GeneDx Variant Classification (06012015). Collection method: clinical testing. Allele origin: germline. Affected: yes.
Comment: This variant is considered likely benign or benign based on one or more of the following criteria: it is a conservative change, it occurs at a poorly conserved position in the protein, it is predicted to be benign by multiple in silico algorithms, and/or has population frequency not consistent with disease.

Breakthrough Genomics
Classification: Benign. Review status: criteria provided, single submitter. Criteria: ACMG Guidelines, 2015. Collection method: not provided. Allele origin: germline. Inheritance: Autosomal recessive inheritance. Affected: yes.

NM_001164508.2(NEB):c.16284+6A>G

Gene: NEB (nebulin; minus strand). Cytogenetic location: 2q23.3.
Variant type: single nucleotide variant.
Coding change: c.16284+6A>G on transcript NM_001164508.2 (MANE Select); 6 bases into the intron after coding-DNA position 16284, A replaced by G.
Molecular consequence: intron variant.
Genome position (GRCh38, 1-based): chr2:151,581,477, T>C on the plus strand (A>G on the coding strand, the complement: NEB is on the minus strand). VCF-style: chr2-151581477-T-C. GRCh37 (hg19) VCF-style: chr2-152437991-T-C.
Other names: c.11602-5123A>G (NM_004543.5); c.16284+6A>G (NM_001164507.2, NM_001271208.2).
Identifiers: ClinVar variation 384733 (VCV000384733.28), dbSNP rs573898757, ClinGen allele CA1908429.
Genomic context (GRCh38, chr2:151,581,477, plus strand): 5'-GTGTATAATAAAAGGTTTGGTTAGGCAGAGAGCACTGTGAAAAGCAAATGATGTGTGCTG[T>C]CTTACATTGCTGATCTGCAGGGCATTGATTTTGGATTGCAGCATCAGGGGAGTGTCAGCT-3'